The following is an entry in ClinVar:

ClinVar aggregate classification (germline): Pathogenic/Likely pathogenic. Review status: criteria provided, multiple submitters, no conflicts (2 of 4 stars). 13 submissions from 13 submitters: Pathogenic (10); Likely pathogenic (1). 2 of the submissions do not count toward it. Last evaluated 2026-02-02.

Conditions:
BLM-related disorder. Also called: BLM-related condition.
Hereditary cancer-predisposing syndrome. Also called: Tumor predisposition; Neoplastic Syndromes, Hereditary; Hereditary Cancer Syndrome; Hereditary neoplastic syndrome. Identifiers: Orphanet 140162, MedGen C0027672, MeSH D009386, MONDO:0015356.
Bloom syndrome (BLM). Also called: Bloom-Torre-Machacek syndrome. Identifiers: Orphanet 125, MedGen C0005859, MONDO:0008876, OMIM 210900.

Allele frequency attached by ClinVar (database versions not stated): gnomAD exomes below 0.00001 and 0.00001; ExAC 0.00002; gnomAD 0.00002.

Submissions (13):

Labcorp Genetics (formerly Invitae), Labcorp
Classification: Pathogenic for Bloom syndrome. Last evaluated: 2026-02-02. Review status: criteria provided, single submitter. Criteria: Invitae Variant Classification Sherloc (09022015). Collection method: clinical testing. Allele origin: germline.
Comment: This sequence change creates a premature translational stop signal (p.Asp1010Metfs*24) in the BLM gene. It is expected to result in an absent or disrupted protein product. Loss-of-function variants in BLM are known to be pathogenic (PMID: 17407155). This variant is present in population databases (rs780379121, gnomAD 0.004%). This premature translational stop signal has been observed in individual(s) with Bloom syndrome (PMID: 17407155). ClinVar contains an entry for this variant (Variation ID: 189048). For these reasons, this variant has been classified as Pathogenic.

Myriad Genetics, Inc.
Classification: Pathogenic for Bloom syndrome. Last evaluated: 2025-12-04. Review status: criteria provided, single submitter. Criteria: Myriad Autosomal Dominant, Autosomal Recessive and X-Linked Classification Criteria (2023). Collection method: clinical testing. Allele origin: unknown.
Comment: This variant is considered pathogenic. This variant creates a frameshift predicted to result in premature protein truncation.

Natera, Inc.
Classification: Pathogenic for Bloom syndrome. Last evaluated: 2025-09-29. Review status: criteria provided, single submitter. Criteria: Natera Variant Classification Schema (03/2026). Collection method: clinical testing. Allele origin: germline.
Comment: The c.3028delG variant in BLM is a frameshift variant predicted to shift the reading frame beginning at codon 1010 and leads to a stop codon 24 codons downstream. This variant is expected to result in nonsense mediated decay, truncation, or a dysfunctional protein product. This variant is rare in the general population with a frequency below the threshold expected for the associated phenotype(s). This variant has been observed in one or more individuals affected with the associated recessive disease, as either homozygous or compound heterozygous with a second variant (PMID: 17407155). Given the available evidence, this variant is classified as Pathogenic.

CeGaT Center for Human Genetics Tuebingen
Classification: Pathogenic. Last evaluated: 2025-06-01. Review status: criteria provided, single submitter. Criteria: CeGaT Center For Human Genetics Tuebingen Variant Classification Criteria Version 2. Collection method: clinical testing. Allele origin: germline. Affected: yes. Observed: 2 variant alleles.
Comment: BLM: PVS1, PM2, PM3

Baylor Genetics
Classification: Pathogenic for Bloom syndrome. Last evaluated: 2024-03-14. Review status: criteria provided, single submitter. Criteria: ACMG Guidelines, 2015. Collection method: clinical testing. Allele origin: unknown.

Ambry Genetics
Classification: Pathogenic for Hereditary cancer-predisposing syndrome. Last evaluated: 2024-01-08. Review status: criteria provided, single submitter. Criteria: Ambry Variant Classification Scheme 2023. Collection method: clinical testing. Allele origin: germline.
Comment: The c.3028delG pathogenic mutation, located in coding exon 15 of the BLM gene, results from a deletion of one nucleotide at nucleotide position 3028, causing a translational frameshift with a predicted alternate stop codon (p.D1010Mfs*24). This alteration has been reported in three individuals with Bloom syndrome, one of whom was homozygous for c.3028delG (German J et al. Hum. Mutat. 2007 Aug;28:743-53). This alteration was also identified in a cohort of metastatic prostate cancer patients (Ledet EM et al. Prostate. 2020 02;80:235-237). This variant is considered to be rare based on population cohorts in the Genome Aggregation Database (gnomAD). In addition to the clinical data presented in the literature, this alteration is expected to result in loss of function by premature protein truncation or nonsense-mediated mRNA decay. As such, this alteration is interpreted as a disease-causing mutation.

Blueprint Genetics
Classification: Pathogenic for BLM-related disorders. Last evaluated: 2022-07-17. Review status: criteria provided, single submitter. Criteria: ACMG Guidelines, 2015. Collection method: clinical testing. Allele origin: germline. Affected: yes. Observed: 1 variant allele.

Fulgent Genetics
Classification: Pathogenic for Bloom syndrome. Last evaluated: 2021-12-23. Review status: criteria provided, single submitter. Criteria: ACMG Guidelines, 2015. Collection method: clinical testing. Allele origin: unknown.

Institute for Clinical Genetics, University Hospital TU Dresden, University Hospital TU Dresden
Classification: Pathogenic. Last evaluated: 2021-11-03. Review status: criteria provided, single submitter. Criteria: ACMG Guidelines, 2015. Collection method: clinical testing. Allele origin: germline.

Genetic Services Laboratory, University of Chicago
Classification: Likely pathogenic. Last evaluated: 2021-05-13. Review status: criteria provided, single submitter. Criteria: ACMG Guidelines, 2015. Collection method: clinical testing. Allele origin: germline. Affected: yes.
Comment: DNA sequence analysis of the BLM gene demonstrated a single base pair deletion in exon 16, c.3028del. This sequence change results in an amino acid frameshift and creates a premature stop codon 24 amino acids downstream of the change, p.Asp1010Metfs*24. This sequence change is predicted to result in an abnormal transcript, which may be degraded, or may lead to the production of a truncated BLM protein with potentially abnormal function. This sequence change has been previously described in the homozygous and compound heterozygous states in three individuals with Bloom syndrome (PMID: 17407155). This sequence change has been described in four non-Finnish European individuals in the gnomAD population database (rs780379121). Collectively these evidences suggest that, the c.3028del change is likely pathogenic, however functional studies have not been performed to prove this conclusively.

Women's Health and Genetics/Laboratory Corporation of America, LabCorp
Classification: Pathogenic for Bloom syndrome. Last evaluated: 2019-06-17. Review status: criteria provided, single submitter. Criteria: LabCorp Variant Classification Summary - May 2015. Collection method: clinical testing. Allele origin: germline.
Comment: Variant summary: BLM c.3028delG (p.Asp1010MetfsX24) results in a premature termination codon, predicted to cause a truncation of the encoded protein or absence of the protein due to nonsense mediated decay, which are commonly known mechanisms for disease. The variant allele was found at a frequency of 1.2e-05 in 248358 control chromosomes (gnomAD). c.3028delG has been reported in the literature in a homozygous and compound heterozygote individuals affected with Bloom Syndrome (German_2007). These data indicate that the variant is likely to be associated with disease. To our knowledge, no experimental evidence demonstrating an impact on protein function has been reported. Two ClinVar submissions from clinical diagnostic laboratories (evaluation after 2014) cite the variant as pathogenic. Based on the evidence outlined above, the variant was classified as pathogenic.

Zotz-Klimas Genetics Lab, MVZ Zotz Klimas
Classification: Pathogenic for Bloom syndrome. Last evaluated: 2023-11-24. Review status: no assertion criteria provided. Collection method: clinical testing. Allele origin: germline. Affected: yes. Not counted in ClinVar's aggregate classification.

Counsyl
Classification: Likely pathogenic for Bloom syndrome. Last evaluated: 2014-11-06. Review status: no assertion criteria provided. Collection method: literature only. Allele origin: unknown. Inheritance: Autosomal recessive inheritance. Not counted in ClinVar's aggregate classification.

Literature cited by the submitters: PubMed 17407155 (cited by 5 submitters); PubMed 31816118 (cited by Ambry Genetics).

NM_000057.4(BLM):c.3028del (p.Asp1010fs)

Gene: BLM (BLM RecQ like helicase; plus strand). Cytogenetic location: 15q26.1.
Variant type: Deletion.
Coding change: c.3028del on transcript NM_000057.4 (MANE Select); coding-DNA position 3028, one base deleted (G; older notation c.3028delG).
Protein change: p.Asp1010fs; shifts the reading frame from aspartic acid 1010.
Molecular consequence: frameshift variant.
Genome position (GRCh38, 1-based): chr15:90,794,175, G deleted. VCF-style (leftmost placement, unchanged base first): chr15-90794174-AG-A. GRCh37 (hg19) VCF-style: chr15-91337404-AG-A.
Other names: c.3028del (LRG_20t1, NM_000057.3); c.3028del, p.Asp1010fs (NM_001287246.2, NM_001287247.2); c.1903del, p.Asp635fs (NM_001287248.2); c.3028delG (NM_000057.2, NM_000057.4); short protein forms D1010fs, D635fs.
Identifiers: ClinVar variation 189048 (VCV000189048.42), dbSNP rs780379121, ClinGen allele CA274319.
Genomic context (GRCh38, chr15:90,794,174, plus strand): 5'-TGCTCTATTTTTCCCCTATAAGTATGTCTTACTATAGTCTTCATCTCTTTTAGTGGAAAA[AG>A]ATGGAAACCATCATACAAGAGAAACTCACTTCAATAATTTGTATAGCATGGTACATTACT-3'